The following is an entry in ClinVar:

ClinVar aggregate classification (germline): Uncertain significance. Review status: criteria provided, multiple submitters, no conflicts (2 of 4 stars). 2 submissions from 2 submitters: Uncertain significance (2). Last evaluated 2025-12-29.

Conditions:
LAGE3-related disorder. Also called: LAGE3-related condition.

Allele frequency attached by ClinVar (database versions not stated): gnomAD exomes below 0.00001.
gnomAD v4.1: 2 of 1,212,309 alleles (0.00016%); highest among the groups gnomAD compares: Admixed American, 0.0022%; no homozygotes.

Submissions (2):

Women's Health and Genetics/Laboratory Corporation of America, LabCorp
Classification: Uncertain significance. Last evaluated: 2025-12-29. Review status: criteria provided, single submitter. Criteria: LabCorp Variant Classification Summary - May 2015. Collection method: clinical testing. Allele origin: germline.
Comment: Variant summary: LAGE3 c.375C>G (p.Asp125Glu) results in a conservative amino acid change in the encoded protein sequence. Algorithms developed to predict the effect of missense changes on protein structure and function all suggest that this variant is likely to be tolerated. The variant was absent in 183125 control chromosomes. The available data on variant occurrences in the general population are insufficient to allow any conclusion about variant significance. To our knowledge, no occurrence of c.375C>G in individuals affected with LAGE3-related conditions and no experimental evidence demonstrating its impact on protein function have been reported. ClinVar contains an entry for this variant (Variation ID: 2628818). Based on the evidence outlined above, the variant was classified as uncertain significance.

PreventionGenetics, part of Exact Sciences
Classification: Uncertain significance for LAGE3-related condition. Last evaluated: 2023-01-27. Review status: criteria provided, single submitter. Criteria: ACMG Guidelines, 2015. Collection method: clinical testing. Allele origin: germline.
Comment: The LAGE3 c.375C>G variant is predicted to result in the amino acid substitution p.Asp125Glu. To our knowledge, this variant has not been reported in the literature or in a large population database, indicating this variant is rare. At this time, the clinical significance of this variant is uncertain due to the absence of conclusive functional and genetic evidence.

NM_006014.5(LAGE3):c.375C>G (p.Asp125Glu)

Gene: LAGE3 (L antigen family member 3; minus strand). Cytogenetic location: Xq28.
Variant type: single nucleotide variant.
Coding change: c.375C>G on transcript NM_006014.5 (MANE Select); coding-DNA position 375, C replaced by G.
Protein change: p.Asp125Glu; replaces aspartic acid 125 with glutamic acid.
Molecular consequence: missense variant.
Genome position (GRCh38, 1-based): chrX:154,478,001, G>C on the plus strand (C>G on the coding strand, the complement: LAGE3 is on the minus strand). VCF-style: chrX-154478001-G-C. GRCh37 (hg19) VCF-style: chrX-153706340-G-C.
Other names: short protein forms D125E.
Identifiers: ClinVar variation 2628818 (VCV002628818.3), dbSNP rs2069248483, ClinGen allele CA415191457.